The following is an entry in ClinVar:

ClinVar aggregate classification (germline): Uncertain significance (1 of 4 stars; one submission).

Conditions:
SCAPER-related disorder. Also called: SCAPER-related condition.

Submission:

PreventionGenetics, part of Exact Sciences
Classification: Uncertain significance for SCAPER-related condition. Last evaluated: 2024-12-04. Review status: criteria provided, single submitter. Criteria: ACMG Guidelines, 2015. Collection method: clinical testing. Allele origin: germline.
Comment: The SCAPER c.3062C>A variant is predicted to result in the amino acid substitution p.Thr1021Asn. To our knowledge, this variant has not been reported in the literature or in a large population database (gnomAD), indicating this variant is rare. At this time, the clinical significance of this variant is uncertain due to the absence of conclusive functional and genetic evidence.

NM_020843.4(SCAPER):c.3044C>A (p.Thr1015Asn)

Gene: SCAPER (S-phase cyclin A associated protein in the ER; minus strand). Cytogenetic location: 15q24.3.
Variant type: single nucleotide variant.
Coding change: c.3044C>A on transcript NM_020843.4 (MANE Select); coding-DNA position 3044, C replaced by A.
Protein change: p.Thr1015Asn; replaces threonine 1015 with asparagine.
Molecular consequence: missense variant. On other transcripts: non-coding transcript variant (1).
Genome position (GRCh38, 1-based): chr15:76,471,246, G>T on the plus strand (C>A on the coding strand, the complement: SCAPER is on the minus strand). VCF-style: chr15-76471246-G-T. GRCh37 (hg19) VCF-style: chr15-76763587-G-T.
Other names: c.2306C>A, p.Thr769Asn (NM_001145923.2); c.3062C>A, p.Thr1021Asn (NM_001353009.2); c.2642C>A, p.Thr881Asn (NM_001353010.2, NM_001353012.2); c.2660C>A, p.Thr887Asn (NM_001353011.2); short protein forms T1015N, T1021N, T881N, T887N, T769N.
Identifiers: ClinVar variation 4996912 (VCV004996912.1).